The following is an entry in ClinVar:

ClinVar aggregate classification (germline): Uncertain significance (1 of 4 stars; one submission).

Conditions:
Catecholaminergic polymorphic ventricular tachycardia 1. Also called: VENTRICULAR TACHYCARDIA, STRESS-INDUCED POLYMORPHIC 1; VENTRICULAR TACHYCARDIA, CATECHOLAMINERGIC POLYMORPHIC, 1, WITH OR WITHOUT ATRIAL DYSFUNCTION AND/OR DILATED CARDIOMYOPATHY; RYR2-Related Catecholaminergic Polymorphic Ventricular Tachycardia. Identifiers: Orphanet 3286, MedGen C1631597, MONDO:0011484, OMIM 604772.

Submission:

Labcorp Genetics (formerly Invitae), Labcorp
Classification: Uncertain significance for Catecholaminergic polymorphic ventricular tachycardia 1. Last evaluated: 2022-12-13. Review status: criteria provided, single submitter. Criteria: Invitae Variant Classification Sherloc (09022015). Collection method: clinical testing. Allele origin: germline.
Comment: In summary, the available evidence is currently insufficient to determine the role of this variant in disease. Therefore, it has been classified as a Variant of Uncertain Significance. Advanced modeling of protein sequence and biophysical properties (such as structural, functional, and spatial information, amino acid conservation, physicochemical variation, residue mobility, and thermodynamic stability) performed at Invitae indicates that this missense variant is expected to disrupt RYR2 protein function. ClinVar contains an entry for this variant (Variation ID: 1445384). This sequence change replaces glutamine, which is neutral and polar, with lysine, which is basic and polar, at codon 3932 of the RYR2 protein (p.Gln3932Lys). This variant is not present in population databases (gnomAD no frequency). This variant has not been reported in the literature in individuals affected with RYR2-related conditions.

NM_001035.3(RYR2):c.11794C>A (p.Gln3932Lys)

Gene: RYR2 (ryanodine receptor 2; plus strand). Cytogenetic location: 1q43.
Variant type: single nucleotide variant.
Coding change: c.11794C>A on transcript NM_001035.3 (MANE Select); coding-DNA position 11794, C replaced by A.
Protein change: p.Gln3932Lys; replaces glutamine 3932 with lysine.
Molecular consequence: missense variant.
Genome position (GRCh38, 1-based): chr1:237,778,684, C>A. VCF-style: chr1-237778684-C-A. GRCh37 (hg19) VCF-style: chr1-237941984-C-A.
Other names: short protein forms Q3932K.
Identifiers: ClinVar variation 1445384 (VCV001445384.9), dbSNP rs2149335347, ClinGen allele CA345409054.